The following is an entry in ClinVar:

NM_001382391.1(CSPP1):c.3163G>C (p.Asp1055His)

Genes: ARFGEF1 (ARF guanine nucleotide exchange factor 1; minus strand), CSPP1 (centrosome and spindle pole associated protein 1; plus strand). Cytogenetic location: 8q13.2.
Variant type: single nucleotide variant.
Coding change: c.3163G>C on transcript NM_001382391.1 (MANE Select); coding-DNA position 3163, G replaced by C.
Protein change: p.Asp1055His; replaces aspartic acid 1055 with histidine.
Molecular consequence: missense variant. On other transcripts: intron variant (2).
Genome position (GRCh38, 1-based): chr8:67,179,869, G>C. VCF-style: chr8-67179869-G-C. GRCh37 (hg19) VCF-style: chr8-68092104-G-C.
Other names: c.2113G>C, p.Asp705His (NM_001291339.2); c.3082G>C, p.Asp1028His (NM_001363131.2); c.2968G>C, p.Asp990His (NM_001363132.2); c.2887G>C, p.Asp963His (NM_001363133.2); c.3229G>C, p.Asp1077His (NM_001364869.1); c.3049G>C, p.Asp1017His (NM_001364870.1); c.2995G>C, p.Asp999His (NM_001438330.1); c.3148G>C, p.Asp1050His (NM_001438331.1, NM_024790.7); and 3 more; short protein forms D1050H, D705H, D963H, D1017H, D1028H, D1055H, D1077H, D990H.
Identifiers: ClinVar variation 1378091 (VCV001378091.6), dbSNP rs766496985, ClinGen allele CA4771086.

ClinVar aggregate classification (germline): Uncertain significance. Review status: criteria provided, multiple submitters, no conflicts (2 of 4 stars). 2 submissions from 2 submitters: Uncertain significance (2). Last evaluated 2023-11-06.

Conditions:
Joubert syndrome 21 (JBTS21). Identifiers: MedGen C3810212, MONDO:0014288, OMIM 615636.
Inborn genetic diseases. Identifiers: MedGen C0950123, MeSH D030342.

Allele frequency attached by ClinVar (database versions not stated): TOPMed 0.00001; gnomAD exomes 0.00001; ExAC 0.00001.
gnomAD v4.1: 8 of 1,594,274 alleles (0.0005%); highest among the groups gnomAD compares: Admixed American, 0.0033%; no homozygotes.

Submissions (2):

Labcorp Genetics (formerly Invitae), Labcorp
Classification: Uncertain significance for Joubert syndrome 21. Last evaluated: 2023-11-06. Review status: criteria provided, single submitter. Criteria: Invitae Variant Classification Sherloc (09022015). Collection method: clinical testing. Allele origin: germline.
Comment: This sequence change replaces aspartic acid, which is acidic and polar, with histidine, which is basic and polar, at codon 1050 of the CSPP1 protein (p.Asp1050His). This variant is present in population databases (rs766496985, gnomAD 0.006%). This variant has not been reported in the literature in individuals affected with CSPP1-related conditions. ClinVar contains an entry for this variant (Variation ID: 1378091). An algorithm developed to predict the effect of missense changes on protein structure and function (PolyPhen-2) suggests that this variant is likely to be disruptive. In summary, the available evidence is currently insufficient to determine the role of this variant in disease. Therefore, it has been classified as a Variant of Uncertain Significance.

Ambry Genetics
Classification: Uncertain significance for Inborn genetic diseases. Last evaluated: 2021-10-14. Review status: criteria provided, single submitter. Criteria: Ambry Variant Classification Scheme 2023. Collection method: clinical testing. Allele origin: germline.